The following is an entry in ClinVar:

ClinVar aggregate classification (germline): Uncertain significance. Review status: criteria provided, multiple submitters, no conflicts (2 of 4 stars). 2 submissions from 2 submitters: Uncertain significance (2). Last evaluated 2025-06-09.

Conditions:
Cardiac arrhythmia. Also called: Arrhythmia; Cardiac rhythm disease. Identifiers: MedGen C0003811, MONDO:0007263, HP:0011675.
Long QT syndrome (LQTS). Identifiers: MedGen C0023976, MeSH D008133, MONDO:0002442. Disease mechanism: loss of function. Inheritance: Various modes of inheritance.

Allele frequency attached by ClinVar (database versions not stated): gnomAD exomes 0.00001.
gnomAD v4.1: 5 of 1,613,290 alleles (0.00031%); highest among the groups gnomAD compares: Non-Finnish European, 0.00042%; no homozygotes.

Submissions (2):

Labcorp Genetics (formerly Invitae), Labcorp
Classification: Uncertain significance for Long QT syndrome. Last evaluated: 2025-06-09. Review status: criteria provided, single submitter. Criteria: Invitae Variant Classification Sherloc (09022015). Collection method: clinical testing. Allele origin: germline.
Comment: This sequence change replaces proline, which is neutral and non-polar, with glutamine, which is neutral and polar, at codon 310 of the KCNH2 protein (p.Pro310Gln). This variant is not present in population databases (gnomAD no frequency). This variant has not been reported in the literature in individuals affected with KCNH2-related conditions. ClinVar contains an entry for this variant (Variation ID: 2773456). An algorithm developed to predict the effect of missense changes on protein structure and function (PolyPhen-2) suggests that this variant is likely to be tolerated. In summary, the available evidence is currently insufficient to determine the role of this variant in disease. Therefore, it has been classified as a Variant of Uncertain Significance.

Color Diagnostics, LLC DBA Color Health
Classification: Uncertain significance for Cardiac arrhythmia. Last evaluated: 2023-05-23. Review status: criteria provided, single submitter. Criteria: ACMG Guidelines, 2015. Collection method: clinical testing. Allele origin: germline.
Comment: This missense variant replaces proline with glutamine at codon 310 of the KCNH2 protein. Computational prediction is inconclusive regarding the impact of this variant on protein structure and function (internally defined REVEL score threshold 0.5 < inconclusive < 0.7, PMID: 27666373). To our knowledge, functional studies have not been reported for this variant. This variant has not been reported in individuals affected with KCNH2-related disorders in the literature. This variant has not been identified in the general population by the Genome Aggregation Database (gnomAD). The available evidence is insufficient to determine the role of this variant in disease conclusively. Therefore, this variant is classified as a Variant of Uncertain Significance.

NM_000238.4(KCNH2):c.929C>A (p.Pro310Gln)

Gene: KCNH2 (potassium voltage-gated channel subfamily H member 2; minus strand). Cytogenetic location: 7q36.1.
Variant type: single nucleotide variant.
Coding change: c.929C>A on transcript NM_000238.4 (MANE Select); coding-DNA position 929, C replaced by A.
Protein change: p.Pro310Gln; replaces proline 310 with glutamine.
Molecular consequence: missense variant. On other transcripts: non-coding transcript variant (1).
Genome position (GRCh38, 1-based): chr7:150,957,490, G>T on the plus strand (C>A on the coding strand, the complement: KCNH2 is on the minus strand). VCF-style: chr7-150957490-G-T. GRCh37 (hg19) VCF-style: chr7-150654578-G-T.
Other names: c.641C>A, p.Pro214Gln (NM_001406753.1, NM_001406756.1); c.752C>A, p.Pro251Gln (NM_001406755.1); c.629C>A, p.Pro210Gln (NM_001406757.1); c.929C>A, p.Pro310Gln (NM_172056.3); short protein forms P210Q, P310Q, P214Q, P251Q.
Identifiers: ClinVar variation 2773456 (VCV002773456.5), dbSNP rs769368735, ClinGen allele CA369861920.
Genomic context (GRCh38, chr7:150,957,490, plus strand): 5'-ATGGTGCGGTAGCGCACGAGGTCGGAGTCCGAGGTGGAGTTGAGCAAGCCGCTGCGCAGT[G>T]GGTGCATGGCCCCTAGGTGGAGAGGCAGCGTGGTCAGGCCAGCAGCCCAGGGCCCCAGGC-3'
Protein context (NP_000229.1, residues 300-320): PRHASTGAMH[Pro310Gln]LRSGLLNSTS